The following is an entry in ClinVar:

NM_181789.4(GLDN):c.1494G>C (p.Leu498Phe)

Gene: GLDN (gliomedin; plus strand). Cytogenetic location: 15q21.2.
Variant type: single nucleotide variant.
Coding change: c.1494G>C on transcript NM_181789.4 (MANE Select); coding-DNA position 1494, G replaced by C.
Protein change: p.Leu498Phe; replaces leucine 498 with phenylalanine.
Molecular consequence: missense variant.
Genome position (GRCh38, 1-based): chr15:51,404,592, G>C. VCF-style: chr15-51404592-G-C. GRCh37 (hg19) VCF-style: chr15-51696789-G-C.
Other names: NM_181789.4(GLDN):c.1494G>C; p.Leu498Phe; c.1122G>C, p.Leu374Phe (NM_001330297.2); short protein forms L374F, L498F.
Identifiers: ClinVar variation 1711382 (VCV001711382.30), dbSNP rs200764654, ClinGen allele CA7560774.

ClinVar aggregate classification (germline): Conflicting classifications of pathogenicity. Review status: criteria provided, conflicting classifications (1 of 4 stars). 2 submissions from 2 submitters: Pathogenic (1); Uncertain significance (1). Last evaluated 2024-11-21.

Conditions:
Lethal congenital contracture syndrome 11 (LCCS11). Identifiers: MedGen C4310670, MONDO:0014965, OMIM 617194.

Allele frequency attached by ClinVar (database versions not stated): gnomAD 0.00015; 1000 Genomes Project 30x 0.00016; TOPMed below 0.00001; ExAC 0.00008; 1000 Genomes Project 0.00020.
gnomAD v4.1: 78 of 1,614,190 alleles (0.0048%); highest among the groups gnomAD compares: Non-Finnish European, 0.00076%; no homozygotes.

Submissions (2):

Broad Center for Mendelian Genomics, Broad Institute of MIT and Harvard
Classification: Uncertain significance for Lethal congenital contracture syndrome 11. Last evaluated: 2024-11-21. Review status: criteria provided, single submitter. Criteria: ACMG Guidelines, 2015. Collection method: curation. Allele origin: germline. Inheritance: Autosomal recessive inheritance. Study: GREGoR Consortium.
Comment: The p.Leu498Phe variant in GLDN has been reported in 2 individuals with lethal congenital contracture syndrome 11 (PMID: 35806855, 30577886), and has been identified in 0.1% (68/64020) of Finnish chromosomes by the Genome Aggregation Database (gnomAD; dbSNP rs200764654). Although this variant has been seen in the general population in a heterozygous state, its frequency is not high enough to rule out a pathogenic role. This variant has also been reported in ClinVar (Variation ID: 1711382) and has been interpreted as pathogenic by CeGaT Center for Human Genetics Tuebingen. Of the 3 affected individuals 2 of those were homozygotes, which increases the likelihood that the p.Leu498Phe variant is pathogenic (DOI:10.1136/JNNP-2023-ABN.268). Computational prediction tools and conservation analyses suggest that this variant may impact the protein, though this information is not predictive enough to determine pathogenicity. In summary, the clinical significance of the p.Leu498Phe variant is uncertain. ACMG/AMP Criteria applied: PM3, PP3 (Richards 2015).

CeGaT Center for Human Genetics Tuebingen
Classification: Pathogenic. Last evaluated: 2024-06-01. Review status: criteria provided, single submitter. Criteria: CeGaT Center For Human Genetics Tuebingen Variant Classification Criteria Version 2. Collection method: clinical testing. Allele origin: germline. Affected: yes. Observed: 2 variant alleles.
Comment: GLDN: PS1, PM1, PM2, PM3